The following is an entry in ClinVar:

NM_001376.5(DYNC1H1):c.-5A>G

Gene: DYNC1H1 (dynein cytoplasmic 1 heavy chain 1; plus strand). Cytogenetic location: 14q32.31.
Variant type: single nucleotide variant.
Coding change: c.-5A>G on transcript NM_001376.5 (MANE Select); 5 bases upstream of the start codon, A replaced by G.
Molecular consequence: 5 prime UTR variant.
Genome position (GRCh38, 1-based): chr14:101,964,687, A>G. VCF-style: chr14-101964687-A-G. GRCh37 (hg19) VCF-style: chr14-102431024-A-G.
Identifiers: ClinVar variation 312615 (VCV000312615.24), dbSNP rs17511858, ClinGen allele CA7351429.

ClinVar aggregate classification (germline): Benign. Review status: criteria provided, multiple submitters, no conflicts (2 of 4 stars). 11 submissions from 10 submitters: Benign (9). 2 of the submissions do not count toward it. Last evaluated 2023-10-14.

Conditions:
Autosomal dominant cerebellar ataxia. Also called: Spinocerebellar Ataxia, Dominant. Identifiers: Orphanet 99, MedGen C4087347, MONDO:0020380.
Charcot-Marie-Tooth disease. Also called: Charcot-Marie-Tooth Neuropathy; Charcot-Marie-Tooth Hereditary Neuropathy. Identifiers: Orphanet 166, MedGen C0007959, MONDO:0015626.
Charcot-Marie-Tooth disease axonal type 2O. Also called: CHARCOT-MARIE-TOOTH NEUROPATHY, AXONAL, TYPE 2O; CHARCOT-MARIE-TOOTH DISEASE, AXONAL, AUTOSOMAL DOMINANT, TYPE 2O; Charcot-Marie-Tooth Neuropathy Type 2O; Charcot-Marie-Tooth disease, axonal, type 20. Identifiers: Orphanet 284232, MedGen C3280220, MONDO:0013644, OMIM 614228.
Inborn genetic diseases. Identifiers: MedGen C0950123, MeSH D030342.

Allele frequency attached by ClinVar (database versions not stated): ESP Exome Variant Server 0.00040; gnomAD exomes 0.00354 and 0.01233; gnomAD 0.00446 and 0.00551; TOPMed 0.00725; 1000 Genomes Project 30x 0.01624; ExAC 0.01735; 1000 Genomes Project 0.01757.
gnomAD v4.1: 5,960 of 1,586,710 alleles (0.38%); highest among the groups gnomAD compares: Admixed American, 4.1%; 129 homozygotes.

Submissions (11):

ARUP Laboratories, Molecular Genetics and Genomics, ARUP Laboratories
Classification: Benign. Last evaluated: 2023-10-14. Review status: criteria provided, single submitter. Criteria: ARUP Molecular Germline Variant Investigation Process 2024. Collection method: clinical testing. Allele origin: germline.

Athena Diagnostics
Classification: Benign. Last evaluated: 2021-04-07. Review status: criteria provided, single submitter. Criteria: Athena Diagnostics criteria. Collection method: clinical testing. Allele origin: unknown.

Illumina Laboratory Services, Illumina
Classification: Benign for Spinocerebellar Ataxia, Dominant. Last evaluated: 2018-01-13. Review status: criteria provided, single submitter. Criteria: ICSL Variant Classification Criteria 13 December 2019. Collection method: clinical testing. Allele origin: germline.
Comment: This variant was observed in the ICSL laboratory as part of a predisposition screen in an ostensibly healthy population. It had not been previously curated by ICSL or reported in the Human Gene Mutation Database (HGMD: prior to June 1st, 2018), and was therefore a candidate for classification through an automated scoring system. Utilizing variant allele frequency, disease prevalence and penetrance estimates, and inheritance mode, an automated score was calculated to assess if this variant is too frequent to cause the disease. Based on the score and internal cut-off values, a variant classified as benign is not then subjected to further curation. The score for this variant resulted in a classification of benign for this disease.

Illumina Laboratory Services, Illumina
Classification: Benign for Charcot-Marie-Tooth disease axonal type 2O. Last evaluated: 2018-01-13. Review status: criteria provided, single submitter. Criteria: ICSL Variant Classification Criteria 13 December 2019. Collection method: clinical testing. Allele origin: germline.
Comment: the same text as in the submission from Illumina Laboratory Services, Illumina above.

Mayo Clinic Laboratories, Mayo Clinic
Classification: Benign. Last evaluated: 2016-06-15. Review status: criteria provided, single submitter. Criteria: ACMG Guidelines, 2015. Collection method: clinical testing. Allele origin: germline. Observed: 10 variant alleles.

Ambry Genetics
Classification: Benign for Inborn genetic diseases. Last evaluated: 2016-03-21. Review status: criteria provided, single submitter. Criteria: Ambry Variant Classification Scheme 2023. Collection method: clinical testing. Allele origin: germline.

GeneDx
Classification: Benign. Last evaluated: 2015-03-03. Review status: criteria provided, single submitter. Criteria: GeneDx Variant Classification Process June 2021. Collection method: clinical testing. Allele origin: germline. Affected: yes.

Breakthrough Genomics
Classification: Benign. Review status: criteria provided, single submitter. Criteria: ACMG Guidelines, 2015. Collection method: not provided. Allele origin: germline. Inheritance: Autosomal dominant inheritance. Affected: yes.

Molecular Genetics Laboratory, London Health Sciences Centre
Classification: Benign for Charcot-Marie-Tooth disease. Review status: criteria provided, single submitter. Criteria: ACMG Guidelines, 2015. Collection method: clinical testing. Allele origin: germline. Affected: yes.

Clinical Genetics DNA and cytogenetics Diagnostics Lab, Erasmus MC, Erasmus Medical Center
Classification: Benign. Review status: no assertion criteria provided. Collection method: clinical testing. Allele origin: germline. Affected: yes. Study: VKGL Data-share Consensus. Not counted in ClinVar's aggregate classification.

Clinical Genetics, Academic Medical Center
Classification: Benign. Review status: no assertion criteria provided. Collection method: clinical testing. Allele origin: germline. Affected: yes. Study: VKGL Data-share Consensus. Not counted in ClinVar's aggregate classification.